The following is an entry in ClinVar:

NM_006767.4(LZTR1):c.1615+5G>T

Gene: LZTR1 (leucine zipper like post translational regulator 1; plus strand). Cytogenetic location: 22q11.21.
Variant type: single nucleotide variant.
Coding change: c.1615+5G>T on transcript NM_006767.4 (MANE Select); 5 bases into the intron after coding-DNA position 1615, G replaced by T.
Molecular consequence: intron variant.
Genome position (GRCh38, 1-based): chr22:20,994,274, G>T. VCF-style: chr22-20994274-G-T. GRCh37 (hg19) VCF-style: chr22-21348563-G-T.
Identifiers: ClinVar variation 3869258 (VCV003869258.1).

ClinVar aggregate classification (germline): Uncertain significance (1 of 4 stars; one submission).

Conditions:
Hereditary cancer-predisposing syndrome. Also called: Hereditary neoplastic syndrome; Neoplastic Syndromes, Hereditary; Tumor predisposition; Hereditary Cancer Syndrome. Identifiers: Orphanet 140162, MedGen C0027672, MeSH D009386, MONDO:0015356.
Cardiovascular phenotype. Identifiers: MedGen CN230736.

Submission:

Ambry Genetics
Classification: Uncertain significance for Cardiovascular phenotype; Hereditary cancer-predisposing syndrome. Last evaluated: 2025-01-09. Review status: criteria provided, single submitter. Criteria: Ambry Variant Classification Scheme 2023. Collection method: clinical testing. Allele origin: germline.
Comment: The c.1615+5G>T intronic variant results from a G to T substitution 5 nucleotides after coding exon 14 in the LZTR1 gene. This nucleotide position is highly conserved in available vertebrate species. In silico splice site analysis predicts that this alteration will not have any significant effect on splicing. Based on the available evidence, the clinical significance of this variant remains unclear.